The following is an entry in ClinVar:

ClinVar aggregate classification (germline): Uncertain significance. Review status: criteria provided, multiple submitters, no conflicts (2 of 4 stars). 2 submissions from 2 submitters: Uncertain significance (2). Last evaluated 2025-02-03.

Conditions:
Inborn genetic diseases. Identifiers: MedGen C0950123, MeSH D030342.

Allele frequency attached by ClinVar (database versions not stated): gnomAD exomes 0.00001; ExAC 0.00002; gnomAD 0.00013 and 0.00014; TOPMed 0.00034.
gnomAD v4.1: 35 of 1,614,044 alleles (0.0022%); highest among the groups gnomAD compares: Admixed American, 0.04%; no homozygotes.

Submissions (2):

Ambry Genetics
Classification: Uncertain significance for Inborn genetic diseases. Last evaluated: 2025-02-03. Review status: criteria provided, single submitter. Criteria: Ambry Variant Classification Scheme 2023. Collection method: clinical testing. Allele origin: germline.

Labcorp Genetics (formerly Invitae), Labcorp
Classification: Uncertain significance. Last evaluated: 2022-10-05. Review status: criteria provided, single submitter. Criteria: Invitae Variant Classification Sherloc (09022015). Collection method: clinical testing. Allele origin: germline.
Comment: This sequence change replaces threonine, which is neutral and polar, with isoleucine, which is neutral and non-polar, at codon 708 of the LAMC3 protein (p.Thr708Ile). This variant is present in population databases (rs781761519, gnomAD 0.009%). This variant has not been reported in the literature in individuals affected with LAMC3-related conditions. ClinVar contains an entry for this variant (Variation ID: 1399561). Algorithms developed to predict the effect of missense changes on protein structure and function (SIFT, PolyPhen-2, Align-GVGD) all suggest that this variant is likely to be tolerated. In summary, the available evidence is currently insufficient to determine the role of this variant in disease. Therefore, it has been classified as a Variant of Uncertain Significance.

NM_006059.4(LAMC3):c.2123C>T (p.Thr708Ile)

Gene: LAMC3 (laminin subunit gamma 3; plus strand). Cytogenetic location: 9q34.12.
Variant type: single nucleotide variant.
Coding change: c.2123C>T on transcript NM_006059.4 (MANE Select); coding-DNA position 2123, C replaced by T.
Protein change: p.Thr708Ile; replaces threonine 708 with isoleucine.
Molecular consequence: missense variant.
Genome position (GRCh38, 1-based): chr9:131,057,112, C>T. VCF-style: chr9-131057112-C-T. GRCh37 (hg19) VCF-style: chr9-133932499-C-T.
Other names: c.2123C>T (NM_006059.3); short protein forms T708I.
Identifiers: ClinVar variation 1399561 (VCV001399561.5), dbSNP rs781761519, ClinGen allele CA5287320.